The following is an entry in ClinVar:

NM_001367823.1(ARHGEF18):c.1652G>C (p.Gly551Ala)

Gene: ARHGEF18 (Rho/Rac guanine nucleotide exchange factor 18; plus strand). Cytogenetic location: 19p13.2.
Variant type: single nucleotide variant.
Coding change: c.1652G>C on transcript NM_001367823.1 (MANE Select); coding-DNA position 1652, G replaced by C.
Protein change: p.Gly551Ala; replaces glycine 551 with alanine.
Molecular consequence: missense variant.
Genome position (GRCh38, 1-based): chr19:7,447,083, G>C. VCF-style: chr19-7447083-G-C. GRCh37 (hg19) VCF-style: chr19-7511969-G-C.
Other names: c.926G>C, p.Gly309Ala (NM_001130955.2); c.614G>C, p.Gly205Ala (NM_001367824.1, NM_015318.4); short protein forms G551A, G309A, G205A.
Identifiers: ClinVar variation 1490207 (VCV001490207.6), dbSNP rs765607812, ClinGen allele CA403106249.

ClinVar aggregate classification (germline): Uncertain significance (1 of 4 stars; one submission).

gnomAD v4.1: 11 of 1,613,830 alleles (0.00068%); highest among the groups gnomAD compares: Non-Finnish European, 0.00085%; no homozygotes.

Submission:

Labcorp Genetics (formerly Invitae), Labcorp
Classification: Uncertain significance. Last evaluated: 2021-10-08. Review status: criteria provided, single submitter. Criteria: Invitae Variant Classification Sherloc (09022015). Collection method: clinical testing. Allele origin: germline.
Comment: This variant is not present in population databases (ExAC no frequency). In summary, the available evidence is currently insufficient to determine the role of this variant in disease. Therefore, it has been classified as a Variant of Uncertain Significance. Algorithms developed to predict the effect of missense changes on protein structure and function are either unavailable or do not agree on the potential impact of this missense change (SIFT: "Tolerated"; PolyPhen-2: "Possibly Damaging"; Align-GVGD: "Class C0"). This variant has not been reported in the literature in individuals affected with ARHGEF18-related conditions. This sequence change replaces glycine with alanine at codon 363 of the ARHGEF18 protein (p.Gly363Ala). The glycine residue is moderately conserved and there is a small physicochemical difference between glycine and alanine.